The following is an entry in ClinVar:

NM_001330078.2(NRXN1):c.3876del (p.Phe1293fs)

Gene: NRXN1 (neurexin 1; minus strand). Cytogenetic location: 2p16.3.
Variant type: Deletion.
Coding change: c.3876del on transcript NM_001330078.2 (MANE Select); coding-DNA position 3876, one base deleted (C; older notation c.3876delC).
Protein change: p.Phe1293fs; shifts the reading frame from phenylalanine 1293.
Molecular consequence: frameshift variant.
Genome position (GRCh38, 1-based): chr2:50,053,523, G deleted on the plus strand (C on the coding strand, the reverse complement: NRXN1 is on the minus strand); the first of 3 consecutive G bases (chr2:50,053,523-50,053,525); deleting any one gives the same sequence. VCF-style (leftmost placement, unchanged base first): chr2-50053522-AG-A. GRCh37 (hg19) VCF-style: chr2-50280660-AG-A.
Other names: c.3996del, p.Phe1333fs (NM_001135659.3); c.3852del, p.Phe1285fs (NM_001330077.2, NM_001330082.2); c.3720del, p.Phe1241fs (NM_001330083.2); c.3810del, p.Phe1271fs (NM_001330084.2); c.3849del, p.Phe1284fs (NM_001330085.2); c.3876del, p.Phe1293fs (NM_001330086.2); c.3675del, p.Phe1226fs (NM_001330087.2, NM_001330096.2); c.3705del, p.Phe1236fs (NM_001330088.2); and 7 more; short protein forms F1226fs, F1236fs, F228fs, F1241fs, F1246fs, F1263fs, F1285fs, F1289fs.
Identifiers: ClinVar variation 661438 (VCV000661438.8), dbSNP rs1573629114, ClinGen allele CA426101507.
Genomic context (GRCh38, chr2:50,053,522, plus strand): 5'-CGGCTGCCATATTCAGAACTTTCAAGCCATTGTAGTACAGCCCAGAGAGCTGGCCCTGGA[AG>A]GGCTGGCCCTGCTCTTTCCCGCCAATTATTATGGTTGCTTGGCTATTGAAGATTGTGAGC-3'

ClinVar aggregate classification (germline): Pathogenic (1 of 4 stars; one submission).

Conditions:
Pitt-Hopkins-like syndrome 2 (PTHSL2). Identifiers: Orphanet 221150, Orphanet 600663, MedGen C3280479, MONDO:0013690, OMIM 614325.

Submission:

Labcorp Genetics (formerly Invitae), Labcorp
Classification: Pathogenic for Pitt-Hopkins-like syndrome 2. Last evaluated: 2022-06-14. Review status: criteria provided, single submitter. Criteria: Invitae Variant Classification Sherloc (09022015). Collection method: clinical testing. Allele origin: germline.
Comment: For these reasons, this variant has been classified as Pathogenic. ClinVar contains an entry for this variant (Variation ID: 661438). This variant has not been reported in the literature in individuals affected with NRXN1-related conditions. This variant is not present in population databases (gnomAD no frequency). This sequence change creates a premature translational stop signal (p.Phe1333Serfs*13) in the NRXN1 gene. It is expected to result in an absent or disrupted protein product. Loss-of-function variants in NRXN1 are known to be pathogenic (PMID: 19896112, 21964664, 23495017, 23533028, 25149956, 30031152).

Literature cited by the submitters: PubMed 19896112; PubMed 21964664; PubMed 23495017; PubMed 23533028; PubMed 25149956; PubMed 30031152.